The following is an entry in ClinVar:

NM_003049.4(SLC10A1):c.864del (p.Tyr289fs)

Gene: SLC10A1 (solute carrier family 10 member 1; minus strand). Cytogenetic location: 14q24.1.
Variant type: Deletion.
Coding change: c.864del on transcript NM_003049.4 (MANE Select); coding-DNA position 864, one base deleted (C; older notation c.864delC).
Protein change: p.Tyr289fs; shifts the reading frame from tyrosine 289.
Molecular consequence: frameshift variant.
Genome position (GRCh38, 1-based): chr14:69,778,412, G deleted on the plus strand (C on the coding strand, the reverse complement: SLC10A1 is on the minus strand). VCF-style (leftmost placement, unchanged base first): chr14-69778411-AG-A. GRCh37 (hg19) VCF-style: chr14-70245128-AG-A.
Other names: short protein forms Y289fs.
Identifiers: ClinVar variation 4984211 (VCV004984211.1).
Genomic context (GRCh38, chr14:69,778,411, plus strand): 5'-TCTCATAGCACCAAAATATGGCAATGAGGAGAAGCCCTTCTCCAAGCTGGAAAATCATGT[AG>A]AGGAGGGGAAAGAAGAAAAGTGGTCCAATGACTTCAGGTGGAAAGGCCACATTGAGGATG-3'

ClinVar aggregate classification (germline): Likely pathogenic (1 of 4 stars; one submission).

Conditions:
SLC10A1-related disorder. Also called: SLC10A1-related condition.

Submission:

PreventionGenetics, part of Exact Sciences
Classification: Likely pathogenic for SLC10A1-related condition. Last evaluated: 2026-09-23. Review status: criteria provided, single submitter. Criteria: ACMG Guidelines, 2015. Collection method: clinical testing. Allele origin: germline.
Comment: The SLC10A1 c.864delC variant is predicted to result in a frameshift and premature protein termination (p.Tyr289Thrfs*2). To our knowledge, this variant has not been reported in the literature. This variant is reported in 0.033% of alleles in individuals of South Asian descent in gnomAD. Frameshift variants in SLC10A1 are expected to be pathogenic. This variant is interpreted as likely pathogenic.